The following is an entry in ClinVar:

ClinVar aggregate classification (germline): Uncertain significance (1 of 4 stars; one submission).

Conditions:
Werner syndrome (WRN). Identifiers: Orphanet 902, MedGen C0043119, MONDO:0010196, OMIM 277700.

Allele frequency attached by ClinVar (database versions not stated): gnomAD exomes below 0.00001; TOPMed below 0.00001; gnomAD 0.00001.
gnomAD v4.1: 4 of 1,612,212 alleles (0.00025%); highest among the groups gnomAD compares: Non-Finnish European, 0.00034%; no homozygotes.

Submission:

Labcorp Genetics (formerly Invitae), Labcorp
Classification: Uncertain significance for Werner syndrome. Last evaluated: 2022-08-31. Review status: criteria provided, single submitter. Criteria: Invitae Variant Classification Sherloc (09022015). Collection method: clinical testing. Allele origin: germline.
Comment: This sequence change replaces arginine, which is basic and polar, with glycine, which is neutral and non-polar, at codon 564 of the WRN protein (p.Arg564Gly). This variant is not present in population databases (gnomAD no frequency). This variant has not been reported in the literature in individuals affected with WRN-related conditions. ClinVar contains an entry for this variant (Variation ID: 1042716). Algorithms developed to predict the effect of missense changes on protein structure and function are either unavailable or do not agree on the potential impact of this missense change (SIFT: "Not Available"; PolyPhen-2: "Possibly Damaging"; Align-GVGD: "Not Available"). In summary, the available evidence is currently insufficient to determine the role of this variant in disease. Therefore, it has been classified as a Variant of Uncertain Significance.

NM_000553.6(WRN):c.1690A>G (p.Arg564Gly)

Gene: WRN (WRN RecQ like helicase; plus strand). Cytogenetic location: 8p12.
Variant type: single nucleotide variant.
Coding change: c.1690A>G on transcript NM_000553.6 (MANE Select); coding-DNA position 1690, A replaced by G.
Protein change: p.Arg564Gly; replaces arginine 564 with glycine.
Molecular consequence: missense variant.
Genome position (GRCh38, 1-based): chr8:31,090,502, A>G. VCF-style: chr8-31090502-A-G. GRCh37 (hg19) VCF-style: chr8-30948018-A-G.
Other names: short protein forms R564G.
Identifiers: ClinVar variation 1042716 (VCV001042716.2), dbSNP rs1813704662, ClinGen allele CA370926971.
Genomic context (GRCh38, chr8:31,090,502, plus strand): 5'-GCTTTTTGCTTTTCACCTTCAAGAGTTCAGTGGAAAGTGATTCATTCAGTATTAGAAGAA[A>G]GAAGAGATAATGTTGCTGTCATGGCAACTGGTAAGTTGTACTTAAGCAAAACCTAATCCT-3'
Protein context (NP_000544.2, residues 554-574): WKVIHSVLEE[Arg564Gly]RDNVAVMATG